The following is an entry in ClinVar:

ClinVar aggregate classification (germline): Uncertain significance (1 of 4 stars; one submission).

Submission:

GeneDx
Classification: Uncertain significance. Last evaluated: 2023-06-13. Review status: criteria provided, single submitter. Criteria: GeneDx Variant Classification Process June 2021. Collection method: clinical testing. Allele origin: germline. Affected: yes.
Comment: Not observed at significant frequency in large population cohorts (gnomAD); In silico analysis supports that this missense variant has a deleterious effect on protein structure/function; Has not been previously published as pathogenic or benign to our knowledge

NM_012470.4(TNPO3):c.2180C>T (p.Ala727Val)

Gene: TNPO3 (transportin 3; minus strand). Cytogenetic location: 7q32.1.
Variant type: single nucleotide variant.
Coding change: c.2180C>T on transcript NM_012470.4 (MANE Select); coding-DNA position 2180, C replaced by T.
Protein change: p.Ala727Val; replaces alanine 727 with valine.
Molecular consequence: missense variant. On other transcripts: non-coding transcript variant (18).
Genome position (GRCh38, 1-based): chr7:128,974,961, G>A on the plus strand (C>T on the coding strand, the complement: TNPO3 is on the minus strand). VCF-style: chr7-128974961-G-A. GRCh37 (hg19) VCF-style: chr7-128615015-G-A.
Other names: c.1988C>T, p.Ala663Val (NM_001191028.3, NM_001382223.1); c.2282C>T, p.Ala761Val (NM_001382216.1); c.2261C>T, p.Ala754Val (NM_001382217.1); c.2180C>T, p.Ala727Val (NM_001382218.1); c.2072C>T, p.Ala691Val (NM_001382219.1); c.2039C>T, p.Ala680Val (NM_001382220.1); c.2036C>T, p.Ala679Val (NM_001382221.1); c.2033C>T, p.Ala678Val (NM_001382222.1); short protein forms A663V, A678V, A679V, A680V, A691V, A727V, A754V, A761V.
Identifiers: ClinVar variation 3359805 (VCV003359805.1).